The following is an entry in ClinVar:

NM_207015.3(NAALADL2):c.252T>C (p.Leu84=)

Genes: NAALADL2 (N-acetylated alpha-linked acidic dipeptidase like 2; plus strand), NAALADL2-AS3 (NAALADL2 antisense RNA 3; minus strand). Cytogenetic location: 3q26.31.
Variant type: single nucleotide variant.
Coding change: c.252T>C on transcript NM_207015.3 (MANE Select); coding-DNA position 252, T replaced by C.
Protein change: p.Leu84=; no amino-acid change (leucine 84 retained).
Molecular consequence: synonymous variant.
Genome position (GRCh38, 1-based): chr3:175,096,998, T>C. VCF-style: chr3-175096998-T-C. GRCh37 (hg19) VCF-style: chr3-174814788-T-C.
Identifiers: ClinVar variation 4534909 (VCV004534909.6).

ClinVar aggregate classification (germline): Likely benign (1 of 4 stars; one submission).

Submission:

CeGaT Center for Human Genetics Tuebingen
Classification: Likely benign. Last evaluated: 2025-10-01. Review status: criteria provided, single submitter. Criteria: CeGaT Center For Human Genetics Tuebingen Variant Classification Criteria Version 2. Collection method: clinical testing. Allele origin: germline. Affected: yes. Observed: 1 variant allele.
Comment: NAALADL2: PM2:Supporting, BP4, BP7